The following is an entry in ClinVar:

ClinVar aggregate classification (germline): Uncertain significance. Review status: criteria provided, single submitter (1 of 4 stars). 2 submissions from 2 submitters: Uncertain significance (1). 1 of the submissions does not count toward it. Last evaluated 2013-11-09.

Conditions:
Autosomal dominant nonsyndromic hearing loss 12. Also called: DEAFNESS, AUTOSOMAL DOMINANT 8. Identifiers: Orphanet 90635, MedGen C1832187, MONDO:0011102, OMIM 601543.

Allele frequency attached by ClinVar (database versions not stated): gnomAD exomes below 0.00001; ExAC 0.00001; gnomAD 0.00001; TOPMed 0.00001.
gnomAD v4.1: 3 of 1,614,056 alleles (0.00019%); highest among the groups gnomAD compares: African/African-American, 0.004%; no homozygotes.

Submissions (2):

Laboratory for Molecular Medicine, Mass General Brigham Personalized Medicine
Classification: Uncertain significance. Last evaluated: 2013-11-09. Review status: criteria provided, single submitter. Criteria: LMM Criteria. Collection method: clinical testing. Allele origin: germline. Observed: 1 variant allele.
Comment: Variant classified as Uncertain Significance - Favor Pathogenic. The Arg1462Cys variant in TECTA has not been previously reported in individuals with hearing lo ss, and and was not identified in large population studies. Computational analys es (biochemical amino acid properties, conservation, AlignGVGD, PolyPhen2, and S IFT) suggest that the Arg1462Cys variant may impact the protein. In addition, mi ssense variants in TECTA that replace cysteines or substitute other amino acids into cysteines may lead to structural alterations suggested to cause hearing los s (Jovine 2002). However, without additional studies, this information is not pr edictive enough to determine pathogenicity. In summary, the clinical significanc e of this variant cannot be determined with certainty; however based upon comput ational data and the structural role of cysteines in the TECTA protein, we would lean towards a more likely pathogenic role.

Division of Human Genetics, Children's Hospital of Philadelphia
Classification: Uncertain significance for Deafness, autosomal dominant 12. Last evaluated: 2015-02-20. Review status: no assertion criteria provided. Collection method: research. Allele origin: maternal. Affected: yes. Study: CSER-PediSeq. Not counted in ClinVar's aggregate classification.
Comment: This heterozygous variant (c.4384C>T; p.Arg1462Cys) is considered a variant of unknown significance as it has not been reported in literature at this time. This variant is rare in the general population, and is only observed in one out of 61,013 individuals in the ExAC database. The amino acid affected is evolutionarily conserved to fish; however, it does not fall within a functional domain.

Literature cited by the submitters: PubMed 12021773 (cited by Laboratory for Molecular Medicine, Mass General Brigham Personalized Medicine).

NM_005422.4(TECTA):c.4384C>T (p.Arg1462Cys)

Genes: TECTA (tectorin alpha; plus strand), TBCEL-TECTA (TBCEL-TECTA readthrough; plus strand). Cytogenetic location: 11q23.3.
Variant type: single nucleotide variant.
Coding change: c.4384C>T on transcript NM_005422.4 (MANE Select); coding-DNA position 4384, C replaced by T.
Protein change: p.Arg1462Cys; replaces arginine 1462 with cysteine.
Molecular consequence: missense variant.
Genome position (GRCh38, 1-based): chr11:121,157,919, C>T. VCF-style: chr11-121157919-C-T. GRCh37 (hg19) VCF-style: chr11-121028628-C-T.
Other names: c.5341C>T, p.Arg1781Cys (NM_001378761.1); short protein forms R1462C, R1781C.
Identifiers: ClinVar variation 165364 (VCV000165364.5), dbSNP rs727503462, ClinGen allele CA178102.